The following is an entry in ClinVar:

ClinVar aggregate classification (germline): Uncertain significance (1 of 4 stars; one submission).

Allele frequency attached by ClinVar (database versions not stated): gnomAD 0.00001; gnomAD exomes 0.00001; TOPMed 0.00002.
gnomAD v4.1: 16 of 1,385,574 alleles (0.0012%); highest among the groups gnomAD compares: Non-Finnish European, 0.0014%; no homozygotes.

Submission:

Labcorp Genetics (formerly Invitae), Labcorp
Classification: Uncertain significance. Last evaluated: 2023-11-18. Review status: criteria provided, single submitter. Criteria: Invitae Variant Classification Sherloc (09022015). Collection method: clinical testing. Allele origin: germline.
Comment: This sequence change replaces alanine, which is neutral and non-polar, with threonine, which is neutral and polar, at codon 18 of the FGFR3 protein (p.Ala18Thr). This variant is not present in population databases (gnomAD no frequency). This variant has not been reported in the literature in individuals affected with FGFR3-related conditions. Algorithms developed to predict the effect of missense changes on protein structure and function output the following: SIFT: "Not Available"; PolyPhen-2: "Not Available"; Align-GVGD: "Not Available". The threonine amino acid residue is found in multiple mammalian species, which suggests that this missense change does not adversely affect protein function. In summary, the available evidence is currently insufficient to determine the role of this variant in disease. Therefore, it has been classified as a Variant of Uncertain Significance.

NM_000142.5(FGFR3):c.52G>A (p.Ala18Thr)

Gene: FGFR3 (fibroblast growth factor receptor 3; plus strand). Cytogenetic location: 4p16.3.
Variant type: single nucleotide variant.
Coding change: c.52G>A on transcript NM_000142.5 (MANE Select); coding-DNA position 52, G replaced by A.
Protein change: p.Ala18Thr; replaces alanine 18 with threonine.
Molecular consequence: missense variant. On other transcripts: non-coding transcript variant (1).
Genome position (GRCh38, 1-based): chr4:1,793,986, G>A. VCF-style: chr4-1793986-G-A. GRCh37 (hg19) VCF-style: chr4-1795713-G-A.
Other names: c.52G>A, p.Ala18Thr (NM_001163213.2, NM_001354809.2, NM_001354810.2 and 1 more transcripts); short protein forms A18T.
Identifiers: ClinVar variation 2913016 (VCV002913016.3), dbSNP rs908992323, ClinGen allele CA91266062.
Genomic context (GRCh38, chr4:1,793,986, plus strand): 5'-GCCCCCGCCATGGGCGCCCCTGCCTGCGCCCTCGCGCTCTGCGTGGCCGTGGCCATCGTG[G>A]CCGGCGCCTCCTCGGAGTCCTTGGGGACGGAGCAGCGCGTCGTGGGGCGAGCGGCAGGTA-3'
Protein context (NP_000133.1, residues 8-28): LALCVAVAIV[Ala18Thr]GASSESLGTE